The following is an entry in ClinVar:

NM_006531.5(IFT88):c.2051T>C (p.Phe684Ser)

Gene: IFT88 (intraflagellar transport 88; plus strand). Cytogenetic location: 13q12.11.
Variant type: single nucleotide variant.
Coding change: c.2051T>C on transcript NM_006531.5 (MANE Select); coding-DNA position 2051, T replaced by C.
Protein change: p.Phe684Ser; replaces phenylalanine 684 with serine.
Molecular consequence: missense variant. On other transcripts: non-coding transcript variant (5).
Genome position (GRCh38, 1-based): chr13:20,656,413, T>C. VCF-style: chr13-20656413-T-C. GRCh37 (hg19) VCF-style: chr13-21230552-T-C.
Other names: c.1994T>C, p.Phe665Ser (NM_001318491.2, NM_001353575.2); c.2078T>C, p.Phe693Ser (NM_001318493.2, NM_001353565.2, NM_001353566.2 and 2 more transcripts); c.2051T>C, p.Phe684Ser (NM_001353568.2, NM_001353572.2); c.1976T>C, p.Phe659Ser (NM_001353569.2, NM_001353570.2, NM_001353576.2 and 1 more transcripts); c.1949T>C, p.Phe650Ser (NM_001353571.2, NM_001353578.2); c.1907T>C, p.Phe636Ser (NM_001353573.2); c.1892T>C, p.Phe631Ser (NM_001353574.2); c.1418T>C, p.Phe473Ser (NM_001353579.2); short protein forms F693S, F650S, F473S, F659S, F684S, F631S, F636S, F665S.
Identifiers: ClinVar variation 4750846 (VCV004750846.1).

ClinVar aggregate classification (germline): Uncertain significance (1 of 4 stars; one submission).

gnomAD v4.1: 3 of 1,513,536 alleles (0.0002%); highest among the groups gnomAD compares: African/African-American, 0.0028%; no homozygotes.

Submission:

Labcorp Genetics (formerly Invitae), Labcorp
Classification: Uncertain significance. Last evaluated: 2025-09-04. Review status: criteria provided, single submitter. Criteria: Invitae Variant Classification Sherloc (09022015). Collection method: clinical testing. Allele origin: germline.
Comment: This sequence change replaces phenylalanine, which is neutral and non-polar, with serine, which is neutral and polar, at codon 693 of the IFT88 protein (p.Phe693Ser). The frequency data for this variant in the population databases is considered unreliable, as metrics indicate poor data quality at this position in the gnomAD database. This variant has not been reported in the literature in individuals affected with IFT88-related conditions. An algorithm developed to predict the effect of missense changes on protein structure and function (PolyPhen-2) suggests that this variant is likely to be disruptive. In summary, the available evidence is currently insufficient to determine the role of this variant in disease. Therefore, it has been classified as a Variant of Uncertain Significance.